The following is an entry in ClinVar:

ClinVar aggregate classification (germline): Uncertain significance (1 of 4 stars; one submission).

Conditions:
Inborn genetic diseases. Identifiers: MedGen C0950123, MeSH D030342.

Allele frequency attached by ClinVar (database versions not stated): gnomAD 0.00001; ExAC 0.00001; gnomAD exomes 0.00003.
gnomAD v4.1: 39 of 1,614,042 alleles (0.0024%); highest among the groups gnomAD compares: Non-Finnish European, 0.0032%; no homozygotes.

Submission:

Ambry Genetics
Classification: Uncertain significance for Inborn genetic diseases. Last evaluated: 2025-10-24. Review status: criteria provided, single submitter. Criteria: Ambry Variant Classification Scheme 2023. Collection method: clinical testing. Allele origin: germline.
Comment: The c.2941A>G (p.I981V) alteration is located in exon 2 (coding exon 2) of the SALL1 gene. This alteration results from a A to G substitution at nucleotide position 2941, causing the isoleucine (I) at amino acid position 981 to be replaced by a valine (V). Based on data from gnomAD, the G allele has an overall frequency of 0.001% (3/282574) total alleles studied. The highest observed frequency was 0.002% (3/128986) of European (non-Finnish) alleles. Based on insufficient or conflicting evidence, the clinical significance of this alteration remains unclear.

NM_002968.3(SALL1):c.2941A>G (p.Ile981Val)

Gene: SALL1 (spalt like transcription factor 1; minus strand). Cytogenetic location: 16q12.1.
Variant type: single nucleotide variant.
Coding change: c.2941A>G on transcript NM_002968.3 (MANE Select); coding-DNA position 2941, A replaced by G.
Protein change: p.Ile981Val; replaces isoleucine 981 with valine.
Molecular consequence: missense variant.
Genome position (GRCh38, 1-based): chr16:51,139,281, T>C on the plus strand (A>G on the coding strand, the complement: SALL1 is on the minus strand). VCF-style: chr16-51139281-T-C. GRCh37 (hg19) VCF-style: chr16-51173192-T-C.
Other names: c.2650A>G, p.Ile884Val (NM_001127892.2); short protein forms I884V, I981V.
Identifiers: ClinVar variation 2550585 (VCV002550585.3), dbSNP rs772457413, ClinGen allele CA8053011.